The following is an entry in ClinVar:

NC_000005.9:g.(?_131893017)_(131978056_?)del

Gene: RAD50 (RAD50 double strand break repair protein; plus strand). Cytogenetic location: 5q31.1.
Variant type: Deletion.
Identifiers: ClinVar variation 1072247 (VCV001072247.5).

ClinVar aggregate classification (germline): Pathogenic (1 of 4 stars; one submission).

Conditions:
Hereditary cancer-predisposing syndrome. Also called: Tumor predisposition; Hereditary neoplastic syndrome; Neoplastic Syndromes, Hereditary; Hereditary Cancer Syndrome. Identifiers: Orphanet 140162, MedGen C0027672, MeSH D009386, MONDO:0015356.

Submission:

Labcorp Genetics (formerly Invitae), Labcorp
Classification: Pathogenic for Hereditary cancer-predisposing syndrome. Last evaluated: 2022-10-14. Review status: criteria provided, single submitter. Criteria: Invitae Variant Classification Sherloc (09022015). Collection method: clinical testing. Allele origin: germline.
Comment: A gross deletion of the genomic region encompassing the full coding sequence of the RAD50 gene has been identified. Loss-of-function variants in RAD50 are known to be pathogenic (PMID: 19409520). The boundaries of this event are unknown as they extend beyond the assayed region for this gene and therefore may encompass additional genes. This variant has not been reported in the literature in individuals affected with RAD50-related conditions. For these reasons, this variant has been classified as Pathogenic.

Literature cited by the submitters: PubMed 19409520.